The following is an entry in ClinVar:

ClinVar aggregate classification (germline): Likely benign. Review status: criteria provided, multiple submitters, no conflicts (2 of 4 stars). 6 submissions from 6 submitters: Likely benign (6). Last evaluated 2025-07-08.

Conditions:
GLA-related disorder. Also called: GLA-related condition.
Fabry disease. Also called: GLA DEFICIENCY; Fabry's disease; ALPHA-GALACTOSIDASE A DEFICIENCY; ANDERSON-FABRY DISEASE; HEREDITARY DYSTOPIC LIPIDOSIS; CERAMIDE TRIHEXOSIDASE DEFICIENCY. Identifiers: Orphanet 324, MedGen C0002986, MONDO:0010526, OMIM 301500, HP:0001071. Disease mechanism: Fabry disease is due to inactivating mutations in the X-linked GLA gene resulting in deficiency of the enzyme Alpha Galactosidase-A., loss of function.

Allele frequency attached by ClinVar (database versions not stated): ExAC 0.00001; gnomAD exomes 0.00003 and 0.00004; gnomAD 0.00004; TOPMed 0.00005.
gnomAD v4.1: 47 of 1,207,723 alleles (0.0039%); highest among the groups gnomAD compares: Admixed American, 0.011%; no homozygotes.

Submissions (6):

Labcorp Genetics (formerly Invitae), Labcorp
Classification: Likely benign for Fabry disease. Last evaluated: 2025-07-08. Review status: criteria provided, single submitter. Criteria: Invitae Variant Classification Sherloc (09022015). Collection method: clinical testing. Allele origin: germline.

PreventionGenetics, part of Exact Sciences
Classification: Likely benign for GLA-related condition. Last evaluated: 2025-07-01. Review status: criteria provided, single submitter. Criteria: ACMG Guidelines, 2015. Collection method: clinical testing. Allele origin: germline.
Comment: This variant is classified as likely benign based on ACMG/AMP sequence variant interpretation guidelines (Richards et al. 2015 PMID: 25741868, with internal and published modifications).

Molecular Diagnostic Laboratory for Inherited Cardiovascular Disease, Montreal Heart Institute
Classification: Likely benign. Last evaluated: 2025-04-09. Review status: criteria provided, single submitter. Criteria: ACMG Guidelines, 2015. Collection method: clinical testing. Allele origin: germline. Affected: no.
Comment: BP6;BP7

Fulgent Genetics
Classification: Likely benign for Fabry disease. Last evaluated: 2021-12-01. Review status: criteria provided, single submitter. Criteria: ACMG Guidelines, 2015. Collection method: clinical testing. Allele origin: unknown.

Color Diagnostics, LLC DBA Color Health
Classification: Likely benign for Fabry disease. Last evaluated: 2019-09-09. Review status: criteria provided, single submitter. Criteria: ACMG Guidelines, 2015. Collection method: clinical testing. Allele origin: germline.

GeneDx
Classification: Likely benign. Last evaluated: 2017-08-09. Review status: criteria provided, single submitter. Criteria: GeneDx Variant Classification (06012015). Collection method: clinical testing. Allele origin: germline. Affected: yes.
Comment: This variant is considered likely benign or benign based on one or more of the following criteria: it is a conservative change, it occurs at a poorly conserved position in the protein, it is predicted to be benign by multiple in silico algorithms, and/or has population frequency not consistent with disease.

NM_000169.3(GLA):c.6G>A (p.Gln2=)

Genes: GLA (galactosidase alpha; minus strand), RPL36A-HNRNPH2 (RPL36A-HNRNPH2 readthrough; plus strand). Cytogenetic location: Xq22.1.
Variant type: single nucleotide variant.
Coding change: c.6G>A on transcript NM_000169.3 (MANE Select); coding-DNA position 6, G replaced by A.
Protein change: p.Gln2=; no amino-acid change (glutamine 2 retained).
Molecular consequence: synonymous variant. On other transcripts: non-coding transcript variant (3), intron variant (2).
Genome position (GRCh38, 1-based): chrX:101,407,898, C>T on the plus strand (G>A on the coding strand, the complement: GLA is on the minus strand). VCF-style: chrX-101407898-C-T. GRCh37 (hg19) VCF-style: chrX-100662886-C-T.
Other names: c.6G>A, p.Gln2= (NM_001406747.1, NM_001406748.1, NM_001406749.1); c.301-4038C>T (NM_001199973.2); c.178-4038C>T (NM_001199974.2).
Identifiers: ClinVar variation 453320 (VCV000453320.14), dbSNP rs782748047, ClinGen allele CA031836.